The following is an entry in ClinVar:

NM_003630.3(PEX3):c.578+5G>A

Gene: PEX3 (peroxisomal biogenesis factor 3; plus strand). Cytogenetic location: 6q24.2.
Variant type: single nucleotide variant.
Coding change: c.578+5G>A on transcript NM_003630.3 (MANE Select); 5 bases into the intron after coding-DNA position 578, G replaced by A.
Molecular consequence: intron variant.
Genome position (GRCh38, 1-based): chr6:143,471,616, G>A. VCF-style: chr6-143471616-G-A. GRCh37 (hg19) VCF-style: chr6-143792753-G-A.
Identifiers: ClinVar variation 2010157 (VCV002010157.4), dbSNP rs2537197937, ClinGen allele CA2580075171.

ClinVar aggregate classification (germline): Uncertain significance (1 of 4 stars; one submission).

gnomAD v4.1: 1 of 1,607,146 alleles (0.000062%); no homozygotes.

Submission:

Labcorp Genetics (formerly Invitae), Labcorp
Classification: Uncertain significance. Last evaluated: 2023-11-13. Review status: criteria provided, single submitter. Criteria: Invitae Variant Classification Sherloc (09022015). Collection method: clinical testing. Allele origin: germline.
Comment: This sequence change falls in intron 7 of the PEX3 gene. It does not directly change the encoded amino acid sequence of the PEX3 protein. It affects a nucleotide within the consensus splice site. This variant is not present in population databases (gnomAD no frequency). This variant has not been reported in the literature in individuals affected with PEX3-related conditions. ClinVar contains an entry for this variant (Variation ID: 2010157). Variants that disrupt the consensus splice site are a relatively common cause of aberrant splicing (PMID: 17576681, 9536098). Algorithms developed to predict the effect of sequence changes on RNA splicing suggest that this variant is not likely to affect RNA splicing. In summary, the available evidence is currently insufficient to determine the role of this variant in disease. Therefore, it has been classified as a Variant of Uncertain Significance.

Literature cited by the submitters: PubMed 17576681; PubMed 9536098.